The following is an entry in ClinVar:

NM_001378778.1(MPDZ):c.1180T>C (p.Tyr394His)

Gene: MPDZ (multiple PDZ domain crumbs cell polarity complex component; minus strand). Cytogenetic location: 9p23.
Variant type: single nucleotide variant.
Coding change: c.1180T>C on transcript NM_001378778.1 (MANE Select); coding-DNA position 1180, T replaced by C.
Protein change: p.Tyr394His; replaces tyrosine 394 with histidine.
Molecular consequence: missense variant.
Genome position (GRCh38, 1-based): chr9:13,217,201, A>G on the plus strand (T>C on the coding strand, the complement: MPDZ is on the minus strand). VCF-style: chr9-13217201-A-G. GRCh37 (hg19) VCF-style: chr9-13217200-A-G.
Other names: c.1180T>C, p.Tyr394His (NM_001261406.2, NM_001261407.2, NM_001330637.2 and 14 more transcripts); short protein forms Y394H.
Identifiers: ClinVar variation 1900443 (VCV001900443.3), dbSNP rs749290739, ClinGen allele CA4987874.

ClinVar aggregate classification (germline): Uncertain significance (1 of 4 stars; one submission).

Allele frequency attached by ClinVar (database versions not stated): TOPMed below 0.00001.
gnomAD v4.1: 4 of 1,593,610 alleles (0.00025%); no homozygotes.

Submission:

Labcorp Genetics (formerly Invitae), Labcorp
Classification: Uncertain significance. Last evaluated: 2022-11-22. Review status: criteria provided, single submitter. Criteria: Invitae Variant Classification Sherloc (09022015). Collection method: clinical testing. Allele origin: germline.
Comment: In summary, the available evidence is currently insufficient to determine the role of this variant in disease. Therefore, it has been classified as a Variant of Uncertain Significance. Algorithms developed to predict the effect of missense changes on protein structure and function (SIFT, PolyPhen-2, Align-GVGD) all suggest that this variant is likely to be disruptive. This variant has not been reported in the literature in individuals affected with MPDZ-related conditions. The frequency data for this variant in the population databases is considered unreliable, as metrics indicate poor data quality at this position in the gnomAD database. This sequence change replaces tyrosine, which is neutral and polar, with histidine, which is basic and polar, at codon 394 of the MPDZ protein (p.Tyr394His).